The following is an entry in ClinVar:

NM_005045.4(RELN):c.5880A>G (p.Thr1960=)

Gene: RELN (reelin; minus strand). Cytogenetic location: 7q22.1.
Variant type: single nucleotide variant.
Coding change: c.5880A>G on transcript NM_005045.4 (MANE Select); coding-DNA position 5880, A replaced by G.
Protein change: p.Thr1960=; no amino-acid change (threonine 1960 retained).
Molecular consequence: synonymous variant.
Genome position (GRCh38, 1-based): chr7:103,553,749, T>C on the plus strand (A>G on the coding strand, the complement: RELN is on the minus strand). VCF-style: chr7-103553749-T-C. GRCh37 (hg19) VCF-style: chr7-103194196-T-C.
Other names: c.5880A>G, p.Thr1960= (NM_173054.3).
Identifiers: ClinVar variation 448164 (VCV000448164.52), dbSNP rs362793, ClinGen allele CA4421083.
Genomic context (GRCh38, chr7:103,553,749, plus strand): 5'-AAGACCGATGTTACCACCAGGATAGAAAAACCAATTGTCTTCTCTGGGCCCAAAATCAAA[T>C]GTATCCAAGAGCATCACAGGGTTGTTTACATTATTTCCATCGATAATGAAGTCATCAACA-3'
Protein context (NP_005036.2, residues 1950-1970): NVNNPVMLLD[Thr1960=]FDFGPREDNW

ClinVar aggregate classification (germline): Benign/Likely benign. Review status: criteria provided, multiple submitters, no conflicts (2 of 4 stars). 6 submissions from 6 submitters: Benign (1); Likely benign (4). 1 of the submissions does not count toward it. Last evaluated 2026-02-02.

Conditions:
RELN-related disorder. Also called: RELN-related condition.
Norman-Roberts syndrome (LIS2). Also called: Lissencephaly 2 (Norman-Roberts type). Identifiers: Orphanet 89844, MedGen C0796089, MONDO:0009760, OMIM 257320.
Familial temporal lobe epilepsy 7. Identifiers: Orphanet 101046, MedGen C4225327, MONDO:0014639, OMIM 616436.

Allele frequency attached by ClinVar (database versions not stated): gnomAD exomes 0.00007 and 0.00029; ExAC 0.00035; gnomAD 0.00100 and 0.00105; TOPMed 0.00114; ESP Exome Variant Server 0.00115; 1000 Genomes Project 0.00140; 1000 Genomes Project 30x 0.00219.
gnomAD v4.1: 265 of 1,614,014 alleles (0.016%); highest among the groups gnomAD compares: African/African-American, 0.32%; no homozygotes.

Submissions (6):

Labcorp Genetics (formerly Invitae), Labcorp
Classification: Benign for Familial temporal lobe epilepsy 7; Norman-Roberts syndrome. Last evaluated: 2026-02-02. Review status: criteria provided, single submitter. Criteria: Invitae Variant Classification Sherloc (09022015). Collection method: clinical testing. Allele origin: germline.

Blueprint Genetics
Classification: Likely benign. Last evaluated: 2024-11-11. Review status: criteria provided, single submitter. Criteria: ACMG Guidelines, 2015. Collection method: clinical testing. Allele origin: germline.

CeGaT Center for Human Genetics Tuebingen
Classification: Likely benign. Last evaluated: 2024-02-01. Review status: criteria provided, single submitter. Criteria: CeGaT Center For Human Genetics Tuebingen Variant Classification Criteria Version 2. Collection method: clinical testing. Allele origin: germline. Affected: yes. Observed: 2 variant alleles.
Comment: RELN: BP4, BP7

GeneDx
Classification: Likely benign. Last evaluated: 2020-04-30. Review status: criteria provided, single submitter. Criteria: GeneDx Variant Classification Process June 2021. Collection method: clinical testing. Allele origin: germline. Affected: yes.

Athena Diagnostics
Classification: Likely benign. Last evaluated: 2017-02-02. Review status: criteria provided, single submitter. Criteria: Athena Diagnostics Criteria. Collection method: clinical testing. Allele origin: germline.

PreventionGenetics, part of Exact Sciences
Classification: Likely benign for RELN-related condition. Last evaluated: 2020-02-05. Review status: no assertion criteria provided. Collection method: clinical testing. Allele origin: germline. Not counted in ClinVar's aggregate classification.
Comment: This variant is classified as likely benign based on ACMG/AMP sequence variant interpretation guidelines (Richards et al. 2015 PMID: 25741868, with internal and published modifications).